The following is an entry in ClinVar:

ClinVar aggregate classification (germline): Uncertain significance (1 of 4 stars; one submission).

Submission:

GeneDx
Classification: Uncertain significance. Last evaluated: 2023-04-14. Review status: criteria provided, single submitter. Criteria: GeneDx Variant Classification Process June 2021. Collection method: clinical testing. Allele origin: germline. Affected: yes.
Comment: Not observed at significant frequency in large population cohorts (gnomAD); In silico analysis supports that this missense variant does not alter protein structure/function; Has not been previously published as pathogenic or benign to our knowledge

NM_005120.3(MED12):c.3775G>A (p.Gly1259Ser)

Gene: MED12 (mediator complex subunit 12; plus strand). Cytogenetic location: Xq13.1.
Variant type: single nucleotide variant.
Coding change: c.3775G>A on transcript NM_005120.3 (MANE Select); coding-DNA position 3775, G replaced by A.
Protein change: p.Gly1259Ser; replaces glycine 1259 with serine.
Molecular consequence: missense variant.
Genome position (GRCh38, 1-based): chrX:71,129,763, G>A. VCF-style: chrX-71129763-G-A. GRCh37 (hg19) VCF-style: chrX-70349613-G-A.
Other names: short protein forms G1259S.
Identifiers: ClinVar variation 2662439 (VCV002662439.1), dbSNP rs2519693857, ClinGen allele CA413522397.
Genomic context (GRCh38, chrX:71,129,763, plus strand): 5'-GGCTTCACTGTGACAGGAGGAACAGAAGAACTTCCAGAGGAGGAGGGAGGAGGTGGCAGT[G>A]GTGGTCGGAGGCAGGGTGGCCGCAACATCTCTGTGGAGACAGCCAGTCTGGATGTCTATG-3'
Protein context (NP_005111.2, residues 1249-1269): LPEEEGGGGS[Gly1259Ser]GRRQGGRNIS